The following is an entry in ClinVar:

NM_003001.5(SDHC):c.304C>T (p.Leu102Phe)

Gene: SDHC (succinate dehydrogenase complex subunit C; plus strand). Cytogenetic location: 1q23.3.
Variant type: single nucleotide variant.
Coding change: c.304C>T on transcript NM_003001.5 (MANE Select); coding-DNA position 304, C replaced by T.
Protein change: p.Leu102Phe; replaces leucine 102 with phenylalanine.
Molecular consequence: missense variant. On other transcripts: non-coding transcript variant (1), intron variant (3).
Genome position (GRCh38, 1-based): chr1:161,356,739, C>T. VCF-style: chr1-161356739-C-T. GRCh37 (hg19) VCF-style: chr1-161326529-C-T.
Other names: c.202C>T, p.Leu68Phe (NM_001035512.3); c.145C>T, p.Leu49Phe (NM_001035513.3); c.424C>T, p.Leu142Phe (NM_001407115.1); c.247C>T, p.Leu83Phe (NM_001407116.1); c.241C>T, p.Leu81Phe (NM_001407117.1); c.196C>T, p.Leu66Phe (NM_001407118.1); c.193C>T, p.Leu65Phe (NM_001407119.1, NM_001407120.1); c.242-5590C>T (NM_001035511.3); and 2 more; short protein forms L68F, L102F, L49F, L81F, L83F, L142F, L66F, L65F.
Identifiers: ClinVar variation 650839 (VCV000650839.8), dbSNP rs1571890177, ClinGen allele CA343456426.

ClinVar aggregate classification (germline): Uncertain significance. Review status: criteria provided, multiple submitters, no conflicts (2 of 4 stars). 2 submissions from 2 submitters: Uncertain significance (2). Last evaluated 2025-02-28.

Conditions:
Pheochromocytoma/paraganglioma syndrome 3. Also called: SDHC-Related Hereditary Paraganglioma-Pheochromocytoma Syndrome (Paragangliomas 3); SDHC-Related Hereditary Paraganglioma-Pheochromocytoma Syndrome; GLOMUS TUMORS, FAMILIAL, 3; Paragangliomas 3. Identifiers: Orphanet 29072, MedGen C1854336, MONDO:0011544, OMIM 605373.
Gastrointestinal stromal tumor. Also called: Gastrointestinal stromal tumor, somatic; Gastrointestinal stroma tumor. Identifiers: Orphanet 44890, MedGen C0238198, MeSH D046152, MONDO:0011719, OMIM 606764, HP:0100723.
Hereditary cancer-predisposing syndrome. Also called: Neoplastic Syndromes, Hereditary; Tumor predisposition; Hereditary Cancer Syndrome; Hereditary neoplastic syndrome. Identifiers: Orphanet 140162, MedGen C0027672, MeSH D009386, MONDO:0015356.

Allele frequency attached by ClinVar (database versions not stated): TOPMed below 0.00001.

Submissions (2):

Ambry Genetics
Classification: Uncertain significance for Hereditary cancer-predisposing syndrome. Last evaluated: 2025-02-28. Review status: criteria provided, single submitter. Criteria: Ambry Variant Classification Scheme 2023. Collection method: clinical testing. Allele origin: germline.
Comment: The p.L102F variant (also known as c.304C>T), located in coding exon 5 of the SDHC gene, results from a C to T substitution at nucleotide position 304. The leucine at codon 102 is replaced by phenylalanine, an amino acid with highly similar properties. This amino acid position is conserved. In addition, this alteration is predicted to be tolerated by in silico analysis. Based on the available evidence, the clinical significance of this variant remains unclear.

Labcorp Genetics (formerly Invitae), Labcorp
Classification: Uncertain significance for Pheochromocytoma/paraganglioma syndrome 3; Gastrointestinal stromal tumor. Last evaluated: 2025-02-11. Review status: criteria provided, single submitter. Criteria: Invitae Variant Classification Sherloc (09022015). Collection method: clinical testing. Allele origin: germline.
Comment: This sequence change replaces leucine, which is neutral and non-polar, with phenylalanine, which is neutral and non-polar, at codon 102 of the SDHC protein (p.Leu102Phe). This variant is not present in population databases (gnomAD no frequency). This variant has not been reported in the literature in individuals affected with SDHC-related conditions. ClinVar contains an entry for this variant (Variation ID: 650839). An algorithm developed to predict the effect of missense changes on protein structure and function outputs the following: PolyPhen-2: "Benign". The phenylalanine amino acid residue is found in multiple mammalian species, which suggests that this missense change does not adversely affect protein function. In summary, the available evidence is currently insufficient to determine the role of this variant in disease. Therefore, it has been classified as a Variant of Uncertain Significance.